The following is an entry in ClinVar:

ClinVar aggregate classification (germline): Benign/Likely benign. Review status: criteria provided, multiple submitters, no conflicts (2 of 4 stars). 6 submissions from 6 submitters: Benign (2); Likely benign (4). Last evaluated 2024-11-25.

Conditions:
Polycystic kidney disease, adult type (PKD1). Also called: Polycystic Kidney Disease 1, Autosomal Dominant; Polycystic kidney disease 1; Polycystic kidney disease 1, severe; POLYCYSTIC KIDNEY DISEASE, ADULT, TYPE I; Polycystic Kidney, Autosomal Dominant; POLYCYSTIC KIDNEY DISEASE 1 WITH OR WITHOUT POLYCYSTIC LIVER DISEASE. Identifiers: MedGen C3149841, MONDO:0008263, OMIM 173900.

Allele frequency attached by ClinVar (database versions not stated): gnomAD exomes 0.00013 and 0.00025; ExAC 0.00046; 1000 Genomes Project 30x 0.00078; 1000 Genomes Project 0.00080; gnomAD 0.00115 and 0.00125; TOPMed 0.00115; ESP Exome Variant Server 0.00120.
gnomAD v4.1: 365 of 1,602,052 alleles (0.023%); highest among the groups gnomAD compares: African/African-American, 0.4%; 1 homozygote.

Submissions (6):

Blueprint Genetics
Classification: Likely benign. Last evaluated: 2024-11-25. Review status: criteria provided, single submitter. Criteria: ACMG Guidelines, 2015. Collection method: clinical testing. Allele origin: germline.

Athena Diagnostics
Classification: Benign. Last evaluated: 2024-07-05. Review status: criteria provided, single submitter. Criteria: Athena Diagnostics Criteria. Collection method: clinical testing. Allele origin: unknown.

CeGaT Center for Human Genetics Tuebingen
Classification: Likely benign. Last evaluated: 2023-10-01. Review status: criteria provided, single submitter. Criteria: CeGaT Center For Human Genetics Tuebingen Variant Classification Criteria Version 2. Collection method: clinical testing. Allele origin: germline. Affected: yes. Observed: 2 variant alleles.
Comment: PKD1: BP4, BP7

Fulgent Genetics
Classification: Likely benign for Polycystic kidney disease, adult type. Last evaluated: 2021-07-27. Review status: criteria provided, single submitter. Criteria: ACMG Guidelines, 2015. Collection method: clinical testing. Allele origin: unknown.

Department of Pathology and Laboratory Medicine, Sinai Health System
Classification: Likely benign for Polycystic kidney disease, adult type. Last evaluated: 2020-01-20. Review status: criteria provided, single submitter. Criteria: ACMG Guidelines, 2015. Collection method: clinical testing. Allele origin: germline.

ARUP Laboratories, Molecular Genetics and Genomics, ARUP Laboratories
Classification: Benign for Polycystic kidney disease, adult type. Last evaluated: 2018-11-24. Review status: criteria provided, single submitter. Criteria: ARUP Molecular Germline Variant Investigation Process. Collection method: clinical testing. Allele origin: germline.

NM_001009944.3(PKD1):c.12816C>T (p.Ser4272=)

Gene: PKD1 (polycystin 1, transient receptor potential channel interacting; minus strand). Cytogenetic location: 16p13.3.
Variant type: single nucleotide variant.
Coding change: c.12816C>T on transcript NM_001009944.3 (MANE Select); coding-DNA position 12816, C replaced by T.
Protein change: p.Ser4272=; no amino-acid change (serine 4272 retained).
Molecular consequence: synonymous variant.
Genome position (GRCh38, 1-based): chr16:2,089,823, G>A on the plus strand (C>T on the coding strand, the complement: PKD1 is on the minus strand). VCF-style: chr16-2089823-G-A. GRCh37 (hg19) VCF-style: chr16-2139824-G-A.
Other names: c.12813C>T, p.Ser4271= (NM_000296.4); c.12816C>T (NM_001009944.2).
Identifiers: ClinVar variation 811062 (VCV000811062.37), dbSNP rs199569478, ClinGen allele CA7828457.